The following is an entry in ClinVar:

ClinVar aggregate classification (germline): Likely benign. Review status: criteria provided, multiple submitters, no conflicts (2 of 4 stars). 2 submissions from 2 submitters: Likely benign (2). Last evaluated 2024-10-18.

Conditions:
NECTIN1-related disorder. Also called: NECTIN1-related condition.

Allele frequency attached by ClinVar (database versions not stated): ExAC 0.00007; gnomAD exomes 0.00008; ESP Exome Variant Server 0.00015; 1000 Genomes Project 30x 0.00016; 1000 Genomes Project 0.00020.
gnomAD v4.1: 128 of 1,614,182 alleles (0.0079%); highest among the groups gnomAD compares: African/African-American, 0.011%; no homozygotes.

Submissions (2):

PreventionGenetics, part of Exact Sciences
Classification: Likely benign for NECTIN1-related condition. Last evaluated: 2024-10-18. Review status: criteria provided, single submitter. Criteria: ACMG Guidelines, 2015. Collection method: clinical testing. Allele origin: germline.
Comment: This variant is classified as likely benign based on ACMG/AMP sequence variant interpretation guidelines (Richards et al. 2015 PMID: 25741868, with internal and published modifications).

Labcorp Genetics (formerly Invitae), Labcorp
Classification: Likely benign. Last evaluated: 2023-03-03. Review status: criteria provided, single submitter. Criteria: Invitae Variant Classification Sherloc (09022015). Collection method: clinical testing. Allele origin: germline.

NM_002855.5(NECTIN1):c.282C>T (p.Arg94=)

Gene: NECTIN1 (nectin cell adhesion molecule 1; minus strand). Cytogenetic location: 11q23.3.
Variant type: single nucleotide variant.
Coding change: c.282C>T on transcript NM_002855.5 (MANE Select); coding-DNA position 282, C replaced by T.
Protein change: p.Arg94=; no amino-acid change (arginine 94 retained).
Molecular consequence: synonymous variant.
Genome position (GRCh38, 1-based): chr11:119,678,563, G>A on the plus strand (C>T on the coding strand, the complement: NECTIN1 is on the minus strand). VCF-style: chr11-119678563-G-A. GRCh37 (hg19) VCF-style: chr11-119549273-G-A.
Other names: c.282C>T, p.Arg94= (NM_203285.2, NM_203286.2); c.282C>T (NM_002855.4).
Identifiers: ClinVar variation 2711598 (VCV002711598.4), dbSNP rs150290487, ClinGen allele CA6322136.